The following is an entry in ClinVar:

ClinVar aggregate classification (germline): Uncertain significance (1 of 4 stars; one submission).

Submission:

GeneDx
Classification: Uncertain significance. Last evaluated: 2022-09-16. Review status: criteria provided, single submitter. Criteria: GeneDx Variant Classification Process June 2021. Collection method: clinical testing. Allele origin: germline. Affected: yes.
Comment: Not observed at significant frequency in large population cohorts (gnomAD); In silico analysis supports that this missense variant does not alter protein structure/function; Has not been previously published as pathogenic or benign to our knowledge

NM_002491.3(NDUFB3):c.9T>A (p.His3Gln)

Gene: NDUFB3 (NADH:ubiquinone oxidoreductase subunit B3; plus strand). Cytogenetic location: 2q33.1.
Variant type: single nucleotide variant.
Coding change: c.9T>A on transcript NM_002491.3 (MANE Select); coding-DNA position 9, T replaced by A.
Protein change: p.His3Gln; replaces histidine 3 with glutamine.
Molecular consequence: missense variant.
Genome position (GRCh38, 1-based): chr2:201,078,891, T>A. VCF-style: chr2-201078891-T-A. GRCh37 (hg19) VCF-style: chr2-201943614-T-A.
Other names: c.9T>A, p.His3Gln (NM_001257102.2); short protein forms H3Q.
Identifiers: ClinVar variation 2444770 (VCV002444770.1), dbSNP rs925474051, ClinGen allele CA350268146.